The following is an entry in ClinVar:

ClinVar aggregate classification (germline): Uncertain significance (1 of 4 stars; one submission).

Submission:

GeneDx
Classification: Uncertain significance. Last evaluated: 2024-05-15. Review status: criteria provided, single submitter. Criteria: GeneDx Variant Classification Process June 2021. Collection method: clinical testing. Allele origin: germline. Affected: yes.
Comment: Not observed at significant frequency in large population cohorts (gnomAD); In silico analysis supports that this missense variant has a deleterious effect on protein structure/function; Has not been previously published as pathogenic or benign to our knowledge; This variant is associated with the following publications: (PMID: 27839871)

NM_000834.5(GRIN2B):c.2366T>C (p.Met789Thr)

Gene: GRIN2B (glutamate ionotropic receptor NMDA type subunit 2B; minus strand). Cytogenetic location: 12p13.1.
Variant type: single nucleotide variant.
Coding change: c.2366T>C on transcript NM_000834.5 (MANE Select); coding-DNA position 2366, T replaced by C.
Protein change: p.Met789Thr; replaces methionine 789 with threonine.
Molecular consequence: missense variant.
Genome position (GRCh38, 1-based): chr12:13,567,257, A>G on the plus strand (T>C on the coding strand, the complement: GRIN2B is on the minus strand). VCF-style: chr12-13567257-A-G. GRCh37 (hg19) VCF-style: chr12-13720191-A-G.
Other names: c.2366T>C, p.Met789Thr (NM_001413992.1); short protein forms M789T.
Identifiers: ClinVar variation 3378284 (VCV003378284.1).
Genomic context (GRCh38, chr12:13,567,257, plus strand): 5'-ATGACCTCATTCTTCTCATTGTGACAAATGCCAGTGAGCCAGAGAGCTTCCAGTTCTTCC[A>G]TCTCCCCTGGGGAAAGGACAGAGAAGGAAAATGGATAAAAAGAGGAGACAGGAAAGGAGC-3'
Protein context (NP_000825.2, residues 779-799): AILQLFGDGE[Met789Thr]EELEALWLTG